The following is an entry in ClinVar:

NM_001113378.2(FANCI):c.2331T>A (p.Cys777Ter)

Gene: FANCI (FA complementation group I; plus strand). Cytogenetic location: 15q26.1.
Variant type: single nucleotide variant.
Coding change: c.2331T>A on transcript NM_001113378.2 (MANE Select); coding-DNA position 2331, T replaced by A.
Protein change: p.Cys777Ter; replaces cysteine 777 with a stop codon.
Molecular consequence: nonsense.
Genome position (GRCh38, 1-based): chr15:89,293,872, T>A. VCF-style: chr15-89293872-T-A. GRCh37 (hg19) VCF-style: chr15-89837103-T-A.
Other names: c.2052T>A, p.Cys684Ter (NM_001376910.1); c.2331T>A, p.Cys777Ter (NM_001376911.1, NM_018193.3); short protein forms C684*, C777*.
Identifiers: ClinVar variation 3577935 (VCV003577935.3).

ClinVar aggregate classification (germline): Pathogenic/Likely pathogenic. Review status: criteria provided, multiple submitters, no conflicts (2 of 4 stars). 2 submissions from 2 submitters: Pathogenic (1); Likely pathogenic (1). Last evaluated 2024-04-13.

Conditions:
Fanconi anemia (FA). Also called: Fanconi's anemia. Identifiers: Orphanet 84, MedGen C0015625, MeSH D005199, MONDO:0019391.
Fanconi anemia complementation group I (FANCI). Also called: FANCI-Related Fanconi Anemia. Identifiers: Orphanet 84, MedGen C1836861, MONDO:0012186, OMIM 609053.

Submissions (2):

Labcorp Genetics (formerly Invitae), Labcorp
Classification: Pathogenic for Fanconi anemia. Last evaluated: 2024-04-13. Review status: criteria provided, single submitter. Criteria: Invitae Variant Classification Sherloc (09022015). Collection method: clinical testing. Allele origin: germline.
Comment: This sequence change creates a premature translational stop signal (p.Cys777*) in the FANCI gene. It is expected to result in an absent or disrupted protein product. Loss-of-function variants in FANCI are known to be pathogenic (PMID: 17452773, 17460694). This variant is not present in population databases (gnomAD no frequency). This variant has not been reported in the literature in individuals affected with FANCI-related conditions. Algorithms developed to predict the effect of sequence changes on RNA splicing suggest that this variant may disrupt the consensus splice site. For these reasons, this variant has been classified as Pathogenic.

Fulgent Genetics
Classification: Likely pathogenic for Fanconi anemia complementation group I. Last evaluated: 2024-02-21. Review status: criteria provided, single submitter. Criteria: ACMG Guidelines, 2015. Collection method: clinical testing. Allele origin: germline.

Literature cited by the submitters: PubMed 17452773 (cited by Labcorp Genetics (formerly Invitae), Labcorp); PubMed 17460694 (cited by Labcorp Genetics (formerly Invitae), Labcorp).